The following is an entry in ClinVar:

ClinVar aggregate classification (germline): Uncertain significance (1 of 4 stars; one submission).

Conditions:
Inborn genetic diseases. Identifiers: MedGen C0950123, MeSH D030342.

Submission:

Ambry Genetics
Classification: Uncertain significance for Inborn genetic diseases. Last evaluated: 2025-06-14. Review status: criteria provided, single submitter. Criteria: Ambry Variant Classification Scheme 2023. Collection method: clinical testing. Allele origin: germline.
Comment: The p.C472R variant (also known as c.1414T>C), located in coding exon 8 of the PIK3CA gene, results from a T to C substitution at nucleotide position 1414. The cysteine at codon 472 is replaced by arginine, an amino acid with highly dissimilar properties. This amino acid position is conserved. In addition, this alteration is predicted to be deleterious by in silico analysis. Based on the available evidence, the clinical significance of this variant remains unclear.

NM_006218.4(PIK3CA):c.1414T>C (p.Cys472Arg)

Gene: PIK3CA (phosphatidylinositol-4,5-bisphosphate 3-kinase catalytic subunit alpha; plus strand). Cytogenetic location: 3q26.32.
Variant type: single nucleotide variant.
Coding change: c.1414T>C on transcript NM_006218.4 (MANE Select); coding-DNA position 1414, T replaced by C.
Protein change: p.Cys472Arg; replaces cysteine 472 with arginine.
Molecular consequence: missense variant.
Genome position (GRCh38, 1-based): chr3:179,210,440, T>C. VCF-style: chr3-179210440-T-C. GRCh37 (hg19) VCF-style: chr3-178928228-T-C.
Other names: short protein forms C472R.
Identifiers: ClinVar variation 3932383 (VCV003932383.1).